The following is an entry in ClinVar:

NM_000022.4(ADA):c.311C>T (p.Pro104Leu)

Gene: ADA (adenosine deaminase; minus strand). Cytogenetic location: 20q13.12.
Variant type: single nucleotide variant.
Coding change: c.311C>T on transcript NM_000022.4 (MANE Select); coding-DNA position 311, C replaced by T.
Protein change: p.Pro104Leu; replaces proline 104 with leucine.
Molecular consequence: missense variant. On other transcripts: non-coding transcript variant (1).
Genome position (GRCh38, 1-based): chr20:44,626,507, G>A on the plus strand (C>T on the coding strand, the complement: ADA is on the minus strand). VCF-style: chr20-44626507-G-A. GRCh37 (hg19) VCF-style: chr20-43255148-G-A.
Other names: NM_000022.4(ADA):c.311C>T; p.Pro104Leu; c.22C>T, p.Arg8Cys (NM_001322050.2); c.311C>T, p.Pro104Leu (NM_001322051.2); c.311C>T (NM_000022.3); short protein forms P104L, R8C.
Identifiers: ClinVar variation 565486 (VCV000565486.21), dbSNP rs1452483770, ClinGen allele CA409121365.

ClinVar aggregate classification (germline): Likely pathogenic. Review status: reviewed by expert panel (3 of 4 stars). 6 submissions from 6 submitters: Likely pathogenic (1). 5 of the submissions do not count toward it. Last evaluated 2025-11-17.

Conditions:
ADA-related disorder. Also called: ADA-related condition.
Severe combined immunodeficiency disease. Also called: Severe Combined Immune Deficiency; Severe combined immunodeficiency. Identifiers: Orphanet 183660, MedGen C0085110, MeSH D016511, MONDO:0015974, HP:0004430. Inheritance: X-Linked or Autosomal recessive.
Severe combined immunodeficiency, autosomal recessive, T cell-negative, B cell-negative, NK cell-negative, due to adenosine deaminase deficiency. Also called: ADA deficiency; Adenosine deaminase deficient severe combined immunodeficiency; Severe combined immunodeficiency due to ADA deficiency; SCID DUE TO ADA DEFICIENCY; SCID DUE TO ADA DEFICIENCY, EARLY-ONSET; Adenosine Deaminase Deficiency. Identifiers: Orphanet 277, MedGen C0392607, MONDO:0007064, OMIM 102700.

Allele frequency attached by ClinVar (database versions not stated): gnomAD exomes below 0.00001; TOPMed 0.00001.
gnomAD v4.1: 6 of 1,614,124 alleles (0.00037%); highest among the groups gnomAD compares: South Asian, 0.0033%; no homozygotes.

Submissions (6):

ClinGen Severe Combined Immunodeficiency Variant Curation Expert Panel, ClinGen
Classification: Likely pathogenic for Severe combined immunodeficiency, autosomal recessive, T cell-negative, B cell-negative, NK cell-negative, due to adenosine deaminase deficiency. Last evaluated: 2025-11-17. Review status: reviewed by expert panel. Criteria: ClinGen SCID ACMG Specifications ADA V2.1.0. Collection method: curation. Allele origin: germline. Inheritance: Autosomal recessive inheritance.
Comment: The variant NM_000022.4(ADA):c.311C>T is a missense variant predicted to cause a proline to leucine substitution at amino acid residue 104. The variant has been identified in at least two homozygous patients with SCID due to adenosine deaminase deficiency (PMID: 7691348, 9758612) (0.25pt each for PM3, total 1pt, PM3_supporting). At least one of those patients met diagnostic criteria for ADA-SCID (0.5pt) and displayed less than 1% ADA enzymatic activity in patient cells (5pt) (total 5.5pt, PP4_moderate). Additionally, the variant showed less than 0.05% ADA enzymatic activity compared to wild type (group 1), when expressed into E. Coli (PS3_moderate). Finally, the variant has a popmax filtering allele frequency of 0.00001082 based on the South Asian population in gnomAD, which is lower than the 0.0001742 cutoff established by the SCID VCEP for PM2_supporting. In summary, this variant meets criteria to be classified as likely pathogenic for adenosine deaminase deficiency based on the ACMG criteria applied, as specified by the ClinGen SCID VCEP: PM2_supporting, PM3_supporting, PP4_moderate, and PS3_moderate (VCEP specifications version 2.1.0).

Labcorp Genetics (formerly Invitae), Labcorp
Classification: Pathogenic for Severe combined immunodeficiency, autosomal recessive, T cell-negative, B cell-negative, NK cell-negative, due to adenosine deaminase deficiency. Last evaluated: 2025-09-15. Review status: criteria provided, single submitter. Criteria: Invitae Variant Classification Sherloc (09022015). Collection method: clinical testing. Allele origin: germline. Not counted in ClinVar's aggregate classification.
Comment: This sequence change replaces proline, which is neutral and non-polar, with leucine, which is neutral and non-polar, at codon 104 of the ADA protein (p.Pro104Leu). This variant is present in population databases (no rsID available, gnomAD 0.006%). This missense change has been observed in individuals with clinical features of ADA deficiency (PMID: 7691348, 9758612; internal data). This variant is also known as 406C>T. ClinVar contains an entry for this variant (Variation ID: 565486). Invitae Evidence Modeling of protein sequence and biophysical properties (such as structural, functional, and spatial information, amino acid conservation, physicochemical variation, residue mobility, and thermodynamic stability) indicates that this missense variant is expected to disrupt ADA protein function with a positive predictive value of 80%. Experimental studies have shown that this missense change affects ADA function (PMID: 9758612, 14499267). This variant disrupts the p.Pro104 amino acid residue in ADA. Other variant(s) that disrupt this residue have been observed in individuals with ADA-related conditions (PMID: 9758612, 31858364), which suggests that this may be a clinically significant amino acid residue. For these reasons, this variant has been classified as Pathogenic.

Natera, Inc.
Classification: Likely pathogenic for Severe combined immunodeficiency due to ADA deficiency. Last evaluated: 2025-09-07. Review status: criteria provided, single submitter. Criteria: Natera Variant Classification Schema (03/2026). Collection method: clinical testing. Allele origin: germline. Not counted in ClinVar's aggregate classification.
Comment: The c.311C>T variant in ADA is a missense variant predicted to cause substitution of proline to leucine at amino acid 104. This variant is rare in the general population with a frequency below the threshold expected for the associated phenotype(s). This variant has been observed in one or more individuals affected with the associated recessive disease, as either homozygous or compound heterozygous with a second variant (PMID: 35503492, 7691348). Functional studies show that this variant may disrupt protein function (PMID: 7691348). Computational prediction algorithms indicate this variant is likely to affect gene or protein function. Given the available evidence, this variant is classified as Likely Pathogenic.

Women's Health and Genetics/Laboratory Corporation of America, LabCorp
Classification: Pathogenic for Severe combined immunodeficiency disease. Last evaluated: 2023-02-28. Review status: criteria provided, single submitter. Criteria: LabCorp Variant Classification Summary - May 2015. Collection method: clinical testing. Allele origin: germline. Not counted in ClinVar's aggregate classification.
Comment: Variant summary: ADA c.311C>T (p.Pro104Leu) results in a non-conservative amino acid change located in the Adenosine deaminase domain of the encoded protein sequence. Five of five in-silico tools predict a damaging effect of the variant on protein function. The variant allele was found at a frequency of 8e-06 in 251456 control chromosomes. c.311C>T has been reported in the literature in individuals affected with Severe Combined Immunodeficiency (Atasoy_1993, Arredondo-Vega_1998). These data indicate that the variant is likely to be associated with disease. At least two publications report experimental evidence evaluating an impact on protein function. The most pronounced variant effect results in <1% of normal activity (Atasoy_1993, Arredondo-Vega_1998). Two clinical diagnostic laboratories have submitted clinical-significance assessments for this variant to ClinVar after 2014 without evidence for independent evaluation. Both laboratories classified the variant as pathogenic/likely pathogenic. Based on the evidence outlined above, the variant was classified as pathogenic.

Blueprint Genetics
Classification: Likely pathogenic for ADA-related disorders. Last evaluated: 2019-11-19. Review status: criteria provided, single submitter. Criteria: ACMG Guidelines, 2015. Collection method: clinical testing. Allele origin: germline. Affected: yes. Observed: 2 variant alleles. Not counted in ClinVar's aggregate classification.

Juno Genomics, Hangzhou Juno Genomics, Inc
Classification: Likely pathogenic for Severe combined immunodeficiency, autosomal recessive, T cell-negative, B cell-negative, NK cell-negative, due to adenosine deaminase deficiency. Review status: criteria provided, single submitter. Criteria: ACMG Guidelines, 2015. Collection method: clinical testing. Allele origin: germline. Not counted in ClinVar's aggregate classification.
Comment: Absent from controls (or at extremely low frequency if recessive) in Genome Aggregation Database.;Well-established in vitro or in vivo functional studies supportive of a damaging effect on the gene or gene product.;For recessive disorders, detected in trans with a pathogenic variant.

Literature cited by the submitters: PubMed 7691348 (cited by 3 submitters); PubMed 9758612 (cited by Labcorp Genetics (formerly Invitae), Labcorp and Women's Health and Genetics/Laboratory Corporation of America, LabCorp); PubMed 14499267 (cited by Labcorp Genetics (formerly Invitae), Labcorp and Women's Health and Genetics/Laboratory Corporation of America, LabCorp); PubMed 31858364 (cited by Labcorp Genetics (formerly Invitae), Labcorp); PubMed 35503492 (cited by Natera, Inc.); PubMed 7554472 (cited by Women's Health and Genetics/Laboratory Corporation of America, LabCorp).